The following is an entry in ClinVar:

NM_020884.7(MYH7B):c.1058A>C (p.Tyr353Ser)

Gene: MYH7B (myosin heavy chain 7B; plus strand). Cytogenetic location: 20q11.22.
Variant type: single nucleotide variant.
Coding change: c.1058A>C on transcript NM_020884.7 (MANE Select); coding-DNA position 1058, A replaced by C.
Protein change: p.Tyr353Ser; replaces tyrosine 353 with serine.
Molecular consequence: missense variant.
Genome position (GRCh38, 1-based): chr20:34,987,198, A>C. VCF-style: chr20-34987198-A-C. GRCh37 (hg19) VCF-style: chr20-33575001-A-C.
Other names: short protein forms Y353S.
Identifiers: ClinVar variation 1941027 (VCV001941027.5), dbSNP rs746815628, ClinGen allele CA313470852.

ClinVar aggregate classification (germline): Uncertain significance (1 of 4 stars; one submission).

Allele frequency attached by ClinVar (database versions not stated): gnomAD 0.00001; TOPMed 0.00002.
gnomAD v4.1: 27 of 1,612,874 alleles (0.0017%); highest among the groups gnomAD compares: Non-Finnish European, 0.0021%; no homozygotes.

Submission:

Labcorp Genetics (formerly Invitae), Labcorp
Classification: Uncertain significance. Last evaluated: 2025-01-15. Review status: criteria provided, single submitter. Criteria: Invitae Variant Classification Sherloc (09022015). Collection method: clinical testing. Allele origin: germline.
Comment: This sequence change replaces tyrosine, which is neutral and polar, with serine, which is neutral and polar, at codon 395 of the MYH7B protein (p.Tyr395Ser). This variant is present in population databases (no rsID available, gnomAD 0.0009%). This variant has not been reported in the literature in individuals affected with MYH7B-related conditions. ClinVar contains an entry for this variant (Variation ID: 1941027). Invitae Evidence Modeling of protein sequence and biophysical properties (such as structural, functional, and spatial information, amino acid conservation, physicochemical variation, residue mobility, and thermodynamic stability) indicates that this missense variant is expected to disrupt MYH7B protein function with a positive predictive value of 80%. In summary, the available evidence is currently insufficient to determine the role of this variant in disease. Therefore, it has been classified as a Variant of Uncertain Significance.